The following is an entry in ClinVar:

NM_001122659.3(EDNRB):c.1112G>T (p.Gly371Val)

Genes: EDNRB (endothelin receptor type B; minus strand), EDNRB-AS1 (EDNRB antisense RNA 1; plus strand). Cytogenetic location: 13q22.3.
Variant type: single nucleotide variant.
Coding change: c.1112G>T on transcript NM_001122659.3 (MANE Select); coding-DNA position 1112, G replaced by T.
Protein change: p.Gly371Val; replaces glycine 371 with valine.
Molecular consequence: missense variant.
Genome position (GRCh38, 1-based): chr13:77,899,941, C>A on the plus strand (G>T on the coding strand, the complement: EDNRB is on the minus strand). VCF-style: chr13-77899941-C-A. GRCh37 (hg19) VCF-style: chr13-78474076-C-A.
Other names: c.1112G>T, p.Gly371Val (NM_000115.5, NM_003991.4); c.1382G>T, p.Gly461Val (NM_001201397.2); short protein forms G371V, G461V.
Identifiers: ClinVar variation 1310193 (VCV001310193.2), dbSNP rs2137603335, ClinGen allele CA388451222.

ClinVar aggregate classification (germline): Uncertain significance (1 of 4 stars; one submission).

Submission:

GeneDx
Classification: Uncertain significance. Last evaluated: 2020-01-20. Review status: criteria provided, single submitter. Criteria: GeneDx Variant Classification Process June 2021. Collection method: clinical testing. Allele origin: germline. Affected: yes.
Comment: Not observed in large population cohorts (Lek et al., 2016); In silico analysis, which includes protein predictors and evolutionary conservation, supports a deleterious effect; Has not been previously published as pathogenic or benign to our knowledge